The following is an entry in ClinVar:

NM_006270.5(RRAS):c.153+13del

Gene: RRAS (RAS related; minus strand). Cytogenetic location: 19q13.33.
Variant type: Deletion.
Coding change: c.153+13del on transcript NM_006270.5 (MANE Select); 13 bases into the intron after coding-DNA position 153, one base deleted (C; older notation c.153+13delC).
Molecular consequence: intron variant.
Genome position (GRCh38, 1-based): chr19:49,639,933, G deleted on the plus strand (C on the coding strand, the reverse complement: RRAS is on the minus strand). VCF-style (leftmost placement, unchanged base first): chr19-49639932-TG-T. GRCh37 (hg19) VCF-style: chr19-50143189-TG-T.
Other names: c.153+13delC (NM_006270.5).
Identifiers: ClinVar variation 1683319 (VCV001683319.2), dbSNP rs1224992203, ClinGen allele CA633645951.
Genomic context (GRCh38, chr19:49,639,932, plus strand): 5'-AGGGGTCTCGGGGATCCCCCCAAGGGCTCAGTTCTGGGTCCCGGGGGACACCCTCCCGGG[TG>T]AGGGCCCACTACCTGGATGAACTGGATGGTCAGCGCGCTCTTGCCCACGCCGCCGCCGCC-3'

ClinVar aggregate classification (germline): Likely benign (1 of 4 stars; one submission).

Allele frequency attached by ClinVar (database versions not stated): gnomAD 0.00001.

Submission:

Women's Health and Genetics/Laboratory Corporation of America, LabCorp
Classification: Likely benign. Last evaluated: 2024-07-15. Review status: criteria provided, single submitter. Criteria: LabCorp Variant Classification Summary - May 2015. Collection method: clinical testing. Allele origin: germline.
Comment: Variant summary: RRAS c.153+13delC alters a nucleotide located at a position not widely known to affect splicing. Consensus agreement among computation tools predict no significant impact on normal splicing. However, these predictions have yet to be confirmed by functional studies. The variant was absent in 199320 control chromosomes. The available data on variant occurrences in the general population are insufficient to allow any conclusion about variant significance. To our knowledge, no occurrence of c.153+13delC in individuals affected with Noonan Syndrome And Related Conditions and no experimental evidence demonstrating its impact on protein function have been reported. ClinVar contains an entry for this variant (Variation ID: 1683319). Based on the evidence outlined above, the variant was classified as likely benign.